The following is an entry in ClinVar:

NM_000334.4(SCN4A):c.5284G>A (p.Gly1762Arg)

Genes: GH-LCR (growth hormone locus control region; plus strand), SCN4A (sodium voltage-gated channel alpha subunit 4; minus strand). Cytogenetic location: 17q23.3.
Variant type: single nucleotide variant.
Coding change: c.5284G>A on transcript NM_000334.4 (MANE Select); coding-DNA position 5284, G replaced by A.
Protein change: p.Gly1762Arg; replaces glycine 1762 with arginine.
Molecular consequence: missense variant.
Genome position (GRCh38, 1-based): chr17:63,940,998, C>T on the plus strand (G>A on the coding strand, the complement: SCN4A is on the minus strand). VCF-style: chr17-63940998-C-T. GRCh37 (hg19) VCF-style: chr17-62018358-C-T.
Other names: short protein forms G1762R.
Identifiers: ClinVar variation 324508 (VCV000324508.17), dbSNP rs763493738, ClinGen allele CA8708790.

ClinVar aggregate classification (germline): Conflicting classifications of pathogenicity. Review status: criteria provided, conflicting classifications (1 of 4 stars). 7 submissions from 3 submitters: Uncertain significance (3); Benign (2); Likely benign (2). Last evaluated 2025-11-06.

Conditions:
Congenital myasthenic syndrome 16. Identifiers: Orphanet 590, MedGen C3280112, MONDO:0013620, OMIM 614198.
Paramyotonia congenita of Von Eulenburg. Also called: Paramyotonia Congenita; PARALYSIS PERIODICA PARAMYOTONICA; Eulenburg disease; Myotonia congenita intermittens; Von Eulenburg paramyotonia congenita. Identifiers: Orphanet 684, MedGen C0221055, MONDO:0008195, OMIM 168300. Disease mechanism: loss of function.
Hypokalemic periodic paralysis, type 2 (HOKPP2). Identifiers: Orphanet 681, MedGen C2750061, MONDO:0013234, OMIM 613345.
Hyperkalemic periodic paralysis. Also called: Familial hyperkalemic periodic paralysis; Gamstorp disease. Identifiers: Orphanet 682, MedGen C0238357, MONDO:0008224, OMIM 170500, HP:0007215.
Potassium-aggravated myotonia. Also called: Myotonia congenita, atypical, acetazolamide-responsive; MYOTONIA CONGENITA, ACETAZOLAMIDE-RESPONSIVE; MYOTONIA CONGENITA, ATYPICAL; SODIUM CHANNEL MUSCLE DISEASE. Identifiers: Orphanet 612, Orphanet 99734, Orphanet 99735, Orphanet 99736, MedGen C2931826, MONDO:0018959, OMIM 608390.

Allele frequency attached by ClinVar (database versions not stated): gnomAD 0.00001 and below 0.00001; gnomAD exomes 0.00003; TOPMed 0.00003; ExAC 0.00004.
gnomAD v4.1: 52 of 1,613,312 alleles (0.0032%); highest among the groups gnomAD compares: East Asian, 0.018%; no homozygotes.

Submissions (7):

Women's Health and Genetics/Laboratory Corporation of America, LabCorp
Classification: Uncertain significance. Last evaluated: 2025-11-06. Review status: criteria provided, single submitter. Criteria: LabCorp Variant Classification Summary - May 2015. Collection method: clinical testing. Allele origin: germline.
Comment: Variant summary: SCN4A c.5284G>A (p.Gly1762Arg) results in a non-conservative amino acid change in the encoded protein sequence. Algorithms developed to predict the effect of missense changes on protein structure and function are either unavailable or do not agree on the potential impact of this missense change. The variant allele was found at a frequency of 3.2e-05 in 248926 control chromosomes. The available data on variant occurrences in the general population are insufficient to allow any conclusion about variant significance. c.5284G>A has been observed in an individual affected with nondystrophic myotonia (Meng_2022). This report does not provide unequivocal conclusions about association of the variant with Congenital Myopathy 22A, Classic. To our knowledge, no experimental evidence demonstrating an impact on protein function has been reported. The following publication has been ascertained in the context of this evaluation (PMID: 35866763). ClinVar contains an entry for this variant (Variation ID: 324508). Based on the evidence outlined above, the variant was classified as uncertain significance.

Labcorp Genetics (formerly Invitae), Labcorp
Classification: Uncertain significance for Hyperkalemic periodic paralysis. Last evaluated: 2025-08-05. Review status: criteria provided, single submitter. Criteria: Invitae Variant Classification Sherloc (09022015). Collection method: clinical testing. Allele origin: germline.
Comment: This sequence change replaces glycine, which is neutral and non-polar, with arginine, which is basic and polar, at codon 1762 of the SCN4A protein (p.Gly1762Arg). This variant is present in population databases (rs763493738, gnomAD 0.01%). This missense change has been observed in individual(s) with clinical features of paramyotonia congenita (PMID: 35866763). ClinVar contains an entry for this variant (Variation ID: 324508). Invitae Evidence Modeling of protein sequence and biophysical properties (such as structural, functional, and spatial information, amino acid conservation, physicochemical variation, residue mobility, and thermodynamic stability) indicates that this missense variant is not expected to disrupt SCN4A protein function with a negative predictive value of 95%. In summary, the available evidence is currently insufficient to determine the role of this variant in disease. Therefore, it has been classified as a Variant of Uncertain Significance.

Illumina Laboratory Services, Illumina
Classification: Likely benign for Paramyotonia congenita of Von Eulenburg. Last evaluated: 2018-01-13. Review status: criteria provided, single submitter. Criteria: ICSL Variant Classification Criteria 13 December 2019. Collection method: clinical testing. Allele origin: germline.
Comment: This variant was observed in the ICSL laboratory as part of a predisposition screen in an ostensibly healthy population. It had not been previously curated by ICSL or reported in the Human Gene Mutation Database (HGMD: prior to June 1st, 2018), and was therefore a candidate for classification through an automated scoring system. Utilizing variant allele frequency, disease prevalence and penetrance estimates, and inheritance mode, an automated score was calculated to assess if this variant is too frequent to cause the disease. Based on the score and internal cut-off values, a variant classified as likely benign is not then subjected to further curation. The score for this variant resulted in a classification of likely benign for this disease.

Illumina Laboratory Services, Illumina
Classification: Likely benign for Hypokalemic periodic paralysis, type 2. Last evaluated: 2018-01-13. Review status: criteria provided, single submitter. Criteria: ICSL Variant Classification Criteria 13 December 2019. Collection method: clinical testing. Allele origin: germline.
Comment: the same text as in the submission from Illumina Laboratory Services, Illumina above.

Illumina Laboratory Services, Illumina
Classification: Benign for Potassium-aggravated myotonia. Last evaluated: 2018-01-13. Review status: criteria provided, single submitter. Criteria: ICSL Variant Classification Criteria 13 December 2019. Collection method: clinical testing. Allele origin: germline.
Comment: This variant was observed in the ICSL laboratory as part of a predisposition screen in an ostensibly healthy population. It had not been previously curated by ICSL or reported in the Human Gene Mutation Database (HGMD: prior to June 1st, 2018), and was therefore a candidate for classification through an automated scoring system. Utilizing variant allele frequency, disease prevalence and penetrance estimates, and inheritance mode, an automated score was calculated to assess if this variant is too frequent to cause the disease. Based on the score and internal cut-off values, a variant classified as benign is not then subjected to further curation. The score for this variant resulted in a classification of benign for this disease.

Illumina Laboratory Services, Illumina
Classification: Uncertain significance for Congenital myasthenic syndrome 16. Last evaluated: 2018-01-13. Review status: criteria provided, single submitter. Criteria: ICSL Variant Classification Criteria 13 December 2019. Collection method: clinical testing. Allele origin: germline.

Illumina Laboratory Services, Illumina
Classification: Benign for Hyperkalemic periodic paralysis. Last evaluated: 2018-01-13. Review status: criteria provided, single submitter. Criteria: ICSL Variant Classification Criteria 13 December 2019. Collection method: clinical testing. Allele origin: germline.
Comment: the same text as in the submission from Illumina Laboratory Services, Illumina above.

Literature cited by the submitters: PubMed 35866763 (cited by Women's Health and Genetics/Laboratory Corporation of America, LabCorp and Labcorp Genetics (formerly Invitae), Labcorp).